The following is an entry in ClinVar:

ClinVar aggregate classification (germline): Benign/Likely benign. Review status: criteria provided, multiple submitters, no conflicts (2 of 4 stars). 5 submissions from 5 submitters: Benign (2); Likely benign (3). Last evaluated 2025-12-31.

Conditions:
Pyridoxine-dependent epilepsy (EPEO4). Also called: PYRIDOXINE DEPENDENCY WITH SEIZURES; Pyridoxine-Dependent Epilepsy - ALDH7A1; EPILEPSY, EARLY-ONSET, 4, VITAMIN B6-DEPENDENT; Pyridoxine-Dependent Seizures. Identifiers: Orphanet 3006, MedGen C1849508, MONDO:0009945, OMIM 266100. Disease mechanism: loss of function.

Allele frequency attached by ClinVar (database versions not stated): 1000 Genomes Project 0.00040; gnomAD exomes 0.00040 and 0.00047; gnomAD 0.00043 and 0.00046; ExAC 0.00045; 1000 Genomes Project 30x 0.00047; ESP Exome Variant Server 0.00062; TOPMed 0.00063.
gnomAD v4.1: 733 of 1,608,286 alleles (0.046%); highest among the groups gnomAD compares: Admixed American, 0.072%; 1 homozygote.

Submissions (5):

Labcorp Genetics (formerly Invitae), Labcorp
Classification: Likely benign for Pyridoxine-dependent epilepsy. Last evaluated: 2025-12-31. Review status: criteria provided, single submitter. Criteria: Invitae Variant Classification Sherloc (09022015). Collection method: clinical testing. Allele origin: germline.

Blueprint Genetics
Classification: Likely benign. Last evaluated: 2024-10-07. Review status: criteria provided, single submitter. Criteria: ACMG Guidelines, 2015. Collection method: clinical testing. Allele origin: germline.

Genome-Nilou Lab
Classification: Benign for Pyridoxine-dependent epilepsy. Last evaluated: 2023-04-11. Review status: criteria provided, single submitter. Criteria: ACMG Guidelines, 2015. Collection method: clinical testing. Allele origin: germline. Affected: no.

GeneDx
Classification: Benign. Last evaluated: 2013-11-26. Review status: criteria provided, single submitter. Criteria: GeneDx Variant Classification (06012015). Collection method: clinical testing. Allele origin: germline. Affected: yes.
Comment: This variant is considered likely benign or benign based on one or more of the following criteria: it is a conservative change, it occurs at a poorly conserved position in the protein, it is predicted to be benign by multiple in silico algorithms, and/or has population frequency not consistent with disease.

PreventionGenetics, part of Exact Sciences
Classification: Likely benign. Review status: criteria provided, single submitter. Criteria: ACMG Guidelines, 2015. Collection method: clinical testing. Allele origin: germline.

NM_001182.5(ALDH7A1):c.774-18G>A

Gene: ALDH7A1 (aldehyde dehydrogenase 7 family member A1; minus strand). Cytogenetic location: 5q23.2.
Variant type: single nucleotide variant.
Coding change: c.774-18G>A on transcript NM_001182.5 (MANE Select); 18 bases into the intron before coding-DNA position 774, G replaced by A.
Molecular consequence: intron variant.
Genome position (GRCh38, 1-based): chr5:126,568,374, C>T on the plus strand (G>A on the coding strand, the complement: ALDH7A1 is on the minus strand). VCF-style: chr5-126568374-C-T. GRCh37 (hg19) VCF-style: chr5-125904066-C-T.
Other names: c.774-18G>A (NM_001202404.2); c.690-18G>A (NM_001201377.2).
Identifiers: ClinVar variation 136372 (VCV000136372.11), dbSNP rs185333013, ClinGen allele CA289410.